The following is an entry in ClinVar:

NM_001357.5(DHX9):c.1141-1G>A

Gene: DHX9 (DExH-box helicase 9; plus strand). Cytogenetic location: 1q25.3.
Variant type: single nucleotide variant.
Coding change: c.1141-1G>A on transcript NM_001357.5 (MANE Select); the canonical splice acceptor site of the intron before coding-DNA position 1141, G replaced by A.
Molecular consequence: splice acceptor variant.
Genome position (GRCh38, 1-based): chr1:182,859,992, G>A. VCF-style: chr1-182859992-G-A. GRCh37 (hg19) VCF-style: chr1-182829127-G-A.
Identifiers: ClinVar variation 3365935 (VCV003365935.2).

ClinVar aggregate classification (germline): Likely pathogenic (1 of 4 stars; one submission).

Submission:

GeneDx
Classification: Likely pathogenic. Last evaluated: 2026-05-09. Review status: criteria provided, single submitter. Criteria: GeneDx Variant Classification Process June 2021. Collection method: clinical testing. Allele origin: germline.
Comment: Canonical splice site variant predicted to result in an in-frame loss of the adjacent exon in a gene for which loss of function is a known mechanism of disease; Not observed at significant frequency in large population cohorts (gnomAD); Has not been previously published as pathogenic or benign to our knowledge